The following is an entry in ClinVar:

NM_001369.3(DNAH5):c.11465G>A (p.Arg3822Gln)

Gene: DNAH5 (dynein axonemal heavy chain 5; minus strand). Cytogenetic location: 5p15.2.
Variant type: single nucleotide variant.
Coding change: c.11465G>A on transcript NM_001369.3 (MANE Select); coding-DNA position 11465, G replaced by A.
Protein change: p.Arg3822Gln; replaces arginine 3822 with glutamine.
Molecular consequence: missense variant.
Genome position (GRCh38, 1-based): chr5:13,735,923, C>T on the plus strand (G>A on the coding strand, the complement: DNAH5 is on the minus strand). VCF-style: chr5-13735923-C-T. GRCh37 (hg19) VCF-style: chr5-13736032-C-T.
Other names: short protein forms R3822Q.
Identifiers: ClinVar variation 1199293 (VCV001199293.5), dbSNP rs779624238, ClinGen allele CA3201945.

ClinVar aggregate classification (germline): Uncertain significance. Review status: criteria provided, multiple submitters, no conflicts (2 of 4 stars). 2 submissions from 2 submitters: Uncertain significance (2). Last evaluated 2021-09-30.

Conditions:
Primary ciliary dyskinesia 3. Identifiers: Orphanet 244, MedGen C1837618, MONDO:0012085, OMIM 608644.
Primary ciliary dyskinesia. Also called: Ciliary dyskinesia. Identifiers: Orphanet 244, MedGen C0008780, MONDO:0016575, HP:0012265.

Allele frequency attached by ClinVar (database versions not stated): gnomAD 0.00001 and 0.00002; gnomAD exomes 0.00001 and 0.00003; TOPMed 0.00002; ExAC 0.00004.
gnomAD v4.1: 20 of 1,613,648 alleles (0.0012%); highest among the groups gnomAD compares: East Asian, 0.0022%; no homozygotes.

Submissions (2):

Labcorp Genetics (formerly Invitae), Labcorp
Classification: Uncertain significance for Primary ciliary dyskinesia. Last evaluated: 2021-09-30. Review status: criteria provided, single submitter. Criteria: Invitae Variant Classification Sherloc (09022015). Collection method: clinical testing. Allele origin: germline.
Comment: This sequence change replaces arginine with glutamine at codon 3822 of the DNAH5 protein (p.Arg3822Gln). The arginine residue is highly conserved and there is a small physicochemical difference between arginine and glutamine. This variant is present in population databases (rs779624238, ExAC 0.01%). This variant has not been reported in the literature in individuals with DNAH5-related conditions. Algorithms developed to predict the effect of missense changes on protein structure and function are either unavailable or do not agree on the potential impact of this missense change (SIFT: "Deleterious"; PolyPhen-2: "Benign"; Align-GVGD: "Class C0"). Algorithms developed to predict the effect of sequence changes on RNA splicing suggest that this variant may create or strengthen a splice site, but this prediction has not been confirmed by published transcriptional studies. In summary, the available evidence is currently insufficient to determine the role of this variant in disease. Therefore, it has been classified as a Variant of Uncertain Significance.

Genome-Nilou Lab
Classification: Uncertain significance for Primary ciliary dyskinesia 3. Last evaluated: 2021-07-14. Review status: criteria provided, single submitter. Criteria: ACMG Guidelines, 2015. Collection method: clinical testing. Allele origin: germline. Affected: no.